The following is an entry in ClinVar:

NM_001036.6(RYR3):c.972+6G>C

Gene: RYR3 (ryanodine receptor 3; plus strand). Cytogenetic location: 15q14.
Variant type: single nucleotide variant.
Coding change: c.972+6G>C on transcript NM_001036.6 (MANE Select); 6 bases into the intron after coding-DNA position 972, G replaced by C.
Molecular consequence: intron variant.
Genome position (GRCh38, 1-based): chr15:33,550,322, G>C. VCF-style: chr15-33550322-G-C. GRCh37 (hg19) VCF-style: chr15-33842523-G-C.
Other names: c.972+6G>C (NM_001243996.4).
Identifiers: ClinVar variation 1035133 (VCV001035133.6), dbSNP rs1246698572, ClinGen allele CA712209018.

ClinVar aggregate classification (germline): Uncertain significance (1 of 4 stars; one submission).

Conditions:
Epileptic encephalopathy. Identifiers: MedGen C0543888, HP:0200134.

Allele frequency attached by ClinVar (database versions not stated): TOPMed below 0.00001; gnomAD 0.00001.
gnomAD v4.1: 2 of 1,610,366 alleles (0.00012%); highest among the groups gnomAD compares: Non-Finnish European, 0.000085%; no homozygotes.

Submission:

Labcorp Genetics (formerly Invitae), Labcorp
Classification: Uncertain significance for Epileptic encephalopathy. Last evaluated: 2020-05-20. Review status: criteria provided, single submitter. Criteria: Invitae Variant Classification Sherloc (09022015). Collection method: clinical testing. Allele origin: germline.
Comment: In summary, the available evidence is currently insufficient to determine the role of this variant in disease. Therefore, it has been classified as a Variant of Uncertain Significance. Nucleotide substitutions within the consensus splice site are a relatively common cause of aberrant splicing (PMID: 17576681, 9536098). Algorithms developed to predict the effect of sequence changes on RNA splicing suggest that this variant is not likely to affect RNA splicing, but this prediction has not been confirmed by published transcriptional studies. This variant has not been reported in the literature in individuals with RYR3-related conditions. This variant is not present in population databases (ExAC no frequency). This sequence change falls in intron 10 of the RYR3 gene. It does not directly change the encoded amino acid sequence of the RYR3 protein, but it affects a nucleotide within the consensus splice site of the intron.

Literature cited by the submitters: PubMed 17576681; PubMed 9536098.